The following is an entry in ClinVar:

ClinVar aggregate classification (germline): Likely benign (0 of 4 stars; one submission).

Conditions:
LRP1-related disorder. Also called: LRP1-related condition.

Allele frequency attached by ClinVar (database versions not stated): TOPMed 0.00006; gnomAD 0.00007; gnomAD exomes 0.00009; ExAC 0.00014.
gnomAD v4.1: 147 of 1,607,310 alleles (0.0091%); highest among the groups gnomAD compares: Non-Finnish European, 0.0079%; no homozygotes.

Submission:

PreventionGenetics, part of Exact Sciences
Classification: Likely benign for LRP1-related condition. Last evaluated: 2019-04-30. Review status: no assertion criteria provided. Collection method: clinical testing. Allele origin: germline.
Comment: This variant is classified as likely benign based on ACMG/AMP sequence variant interpretation guidelines (Richards et al. 2015 PMID: 25741868, with internal and published modifications).

NM_002332.3(LRP1):c.9864C>T (p.Asp3288=)

Gene: LRP1 (LDL receptor related protein 1; plus strand). Cytogenetic location: 12q13.3.
Variant type: single nucleotide variant.
Coding change: c.9864C>T on transcript NM_002332.3 (MANE Select); coding-DNA position 9864, C replaced by T.
Protein change: p.Asp3288=; no amino-acid change (aspartic acid 3288 retained).
Molecular consequence: synonymous variant.
Genome position (GRCh38, 1-based): chr12:57,199,399, C>T. VCF-style: chr12-57199399-C-T. GRCh37 (hg19) VCF-style: chr12-57593182-C-T.
Identifiers: ClinVar variation 3037408 (VCV003037408.2), dbSNP rs202166796, ClinGen allele CA6644793.
Genomic context (GRCh38, chr12:57,199,399, plus strand): 5'-CATCAGCACGCTGCACCGGCCCATGGACCTGCATGTCTTCCATGCCCTGCGCCAGCCAGA[C>T]GGTGAGCAGGCAAGGGGTGGGAGCAGGCGAACGGTGAGCCAGGCACCGGGGTCCCTGGGA-3'
Protein context (NP_002323.2, residues 3278-3298): LHVFHALRQP[Asp3288=]VPNHPCKVNN